The following is an entry in ClinVar:

ClinVar aggregate classification (germline): Benign. Review status: criteria provided, multiple submitters, no conflicts (2 of 4 stars). 2 submissions from 2 submitters: Benign (2). Last evaluated 2024-07-15.

Submissions (2):

Unidad de Genómica Garrahan, Hospital de Pediatría Garrahan
Classification: Benign. Last evaluated: 2024-07-15. Review status: criteria provided, single submitter. Criteria: ACMG Guidelines, 2015. Collection method: clinical testing. Allele origin: germline. Affected: no. Observed: 38 variant alleles.
Comment: This variant is classified as Benign based on local population frequency. This variant was detected in 41% of patients studied in a panel designed for Epileptic and Developmental Encephalopathy and Progressive Myoclonus Epilepsy. Number of patients: 38. Only high quality variants are reported.

GeneDx
Classification: Benign. Last evaluated: 2021-03-08. Review status: criteria provided, single submitter. Criteria: GeneDx Variant Classification Process June 2021. Collection method: clinical testing. Allele origin: germline. Affected: yes.

NM_001367561.1(DOCK7):c.1683-51_1683-50del

Gene: DOCK7 (dedicator of cytokinesis 7; minus strand). Cytogenetic location: 1p31.3.
Variant type: Deletion.
Coding change: c.1683-51_1683-50del on transcript NM_001367561.1 (MANE Select); 51 bases into the intron before coding-DNA position 1683 through 50 bases into the intron before coding-DNA position 1683, 2 bases deleted (TA; older notation c.1683-51_1683-50delTA).
Molecular consequence: intron variant.
Genome position (GRCh38, 1-based): chr1:62,586,674-62,586,675, TA deleted on the plus strand (TA on the coding strand, the reverse complement: DOCK7 is on the minus strand); deleting any 2 consecutive bases within chr1:62,586,674-62,586,676 gives the same sequence; the c. name uses the placement nearest the transcript's 3' end. VCF-style (leftmost placement, unchanged base first): chr1-62586673-CTA-C. GRCh37 (hg19) VCF-style: chr1-63052344-CTA-C.
Other names: c.1683-51_1683-50del (NM_001272001.2, NM_001272000.2, NM_033407.4 and 3 more transcripts).
Identifiers: ClinVar variation 1261872 (VCV001261872.4), dbSNP rs34963039, ClinGen allele CA886486.